The following is an entry in ClinVar:

ClinVar aggregate classification (germline): Uncertain significance (1 of 4 stars; one submission).

Conditions:
Hereditary cancer-predisposing syndrome. Also called: Neoplastic Syndromes, Hereditary; Tumor predisposition; Hereditary neoplastic syndrome; Hereditary Cancer Syndrome. Identifiers: Orphanet 140162, MedGen C0027672, MeSH D009386, MONDO:0015356.

Submission:

Ambry Genetics
Classification: Uncertain significance for Hereditary cancer-predisposing syndrome. Last evaluated: 2024-02-22. Review status: criteria provided, single submitter. Criteria: Ambry Variant Classification Scheme 2023. Collection method: clinical testing. Allele origin: germline.
Comment: The p.E1883K variant (also known as c.5647G>A), located in coding exon 26 of the DICER1 gene, results from a G to A substitution at nucleotide position 5647. The glutamic acid at codon 1883 is replaced by lysine, an amino acid with similar properties. This amino acid position is conserved. In addition, this alteration is predicted to be deleterious by in silico analysis. Based on the available evidence, the clinical significance of this alteration remains unclear.

NM_177438.3(DICER1):c.5647G>A (p.Glu1883Lys)

Gene: DICER1 (dicer 1, ribonuclease III; minus strand). Cytogenetic location: 14q32.13.
Variant type: single nucleotide variant.
Coding change: c.5647G>A on transcript NM_177438.3 (MANE Select); coding-DNA position 5647, G replaced by A.
Protein change: p.Glu1883Lys; replaces glutamic acid 1883 with lysine.
Molecular consequence: missense variant. On other transcripts: nonsense (1), non-coding transcript variant (6).
Genome position (GRCh38, 1-based): chr14:95,090,620, C>T on the plus strand (G>A on the coding strand, the complement: DICER1 is on the minus strand). VCF-style: chr14-95090620-C-T. GRCh37 (hg19) VCF-style: chr14-95556957-C-T.
Other names: c.5484G>A, p.Trp1828Ter (NM_001195573.1); c.5647G>A, p.Glu1883Lys (NM_001271282.3, NM_001291628.2, NM_001395677.1 and 8 more transcripts); c.5365G>A, p.Glu1789Lys (NM_001395686.1); c.5242G>A, p.Glu1748Lys (NM_001395687.1, NM_001395688.1, NM_001395689.1 and 1 more transcripts); c.5080G>A, p.Glu1694Lys (NM_001395691.1); c.3964G>A, p.Glu1322Lys (NM_001395697.1); short protein forms E1322K, E1694K, E1748K, E1789K, E1883K, W1828*.
Identifiers: ClinVar variation 3229439 (VCV003229439.1), dbSNP rs2542391652, ClinGen allele CA390863519.
Genomic context (GRCh38, chr14:95,090,620, plus strand): 5'-CAGATTTGGCAATCCTGTAACTTCGACCAACACCTTTAAATTTCCCCTTTCCTACTACTT[C>T]CACAGTGACTCTGACCTTCCCGTCGTAAGTTCTCTCAGCCGGGCTGTAAAAAATCCAAAC-3'
Protein context (NP_803187.1, residues 1873-1893): TYDGKVRVTV[Glu1883Lys]VVGKGKFKGV